The following is an entry in ClinVar:

NM_173689.7(CRB2):c.2752G>A (p.Glu918Lys)

Gene: CRB2 (crumbs cell polarity complex component 2; plus strand). Cytogenetic location: 9q33.3.
Variant type: single nucleotide variant.
Coding change: c.2752G>A on transcript NM_173689.7 (MANE Select); coding-DNA position 2752, G replaced by A.
Protein change: p.Glu918Lys; replaces glutamic acid 918 with lysine.
Molecular consequence: missense variant. On other transcripts: non-coding transcript variant (1).
Genome position (GRCh38, 1-based): chr9:123,373,283, G>A. VCF-style: chr9-123373283-G-A. GRCh37 (hg19) VCF-style: chr9-126135562-G-A.
Other names: short protein forms E918K.
Identifiers: ClinVar variation 1364534 (VCV001364534.6), dbSNP rs1440001780, ClinGen allele CA374867356.

ClinVar aggregate classification (germline): Uncertain significance (1 of 4 stars; one submission).

Allele frequency attached by ClinVar (database versions not stated): gnomAD exomes below 0.00001.
gnomAD v4.1: 2 of 1,481,594 alleles (0.00013%); highest among the groups gnomAD compares: Admixed American, 0.0047%; no homozygotes.

Submission:

Labcorp Genetics (formerly Invitae), Labcorp
Classification: Uncertain significance. Last evaluated: 2021-10-22. Review status: criteria provided, single submitter. Criteria: Invitae Variant Classification Sherloc (09022015). Collection method: clinical testing. Allele origin: germline.
Comment: In summary, the available evidence is currently insufficient to determine the role of this variant in disease. Therefore, it has been classified as a Variant of Uncertain Significance. Advanced modeling of protein sequence and biophysical properties (such as structural, functional, and spatial information, amino acid conservation, physicochemical variation, residue mobility, and thermodynamic stability) performed at Invitae indicates that this missense variant is not expected to disrupt CRB2 protein function. This variant has not been reported in the literature in individuals affected with CRB2-related conditions. The frequency data for this variant in the population databases is considered unreliable, as metrics indicate poor data quality at this position in the gnomAD database. This sequence change replaces glutamic acid, which is acidic and polar, with lysine, which is basic and polar, at codon 918 of the CRB2 protein (p.Glu918Lys).